The following is an entry in ClinVar:

ClinVar aggregate classification (germline): Pathogenic (1 of 4 stars; one submission).

Conditions:
LAMA2-related muscular dystrophy (LAMA2-RD). Also called: Laminin alpha 2-related dystrophy. Identifiers: MedGen C5679788, MONDO:0100228.

Submission:

Labcorp Genetics (formerly Invitae), Labcorp
Classification: Pathogenic for LAMA2-related muscular dystrophy. Last evaluated: 2023-06-28. Review status: criteria provided, single submitter. Criteria: Invitae Variant Classification Sherloc (09022015). Collection method: clinical testing. Allele origin: germline.
Comment: For these reasons, this variant has been classified as Pathogenic. This variant has not been reported in the literature in individuals affected with LAMA2-related conditions. This variant is not present in population databases (gnomAD no frequency). This sequence change creates a premature translational stop signal (p.Val2692Serfs*36) in the LAMA2 gene. It is expected to result in an absent or disrupted protein product. Loss-of-function variants in LAMA2 are known to be pathogenic (PMID: 18700894, 32904964).

Literature cited by the submitters: PubMed 18700894; PubMed 32904964.

NM_000426.4(LAMA2):c.8073del (p.Val2692fs)

Gene: LAMA2 (laminin subunit alpha 2; plus strand). Cytogenetic location: 6q22.33.
Variant type: Deletion.
Coding change: c.8073del on transcript NM_000426.4 (MANE Select); coding-DNA position 8073, one base deleted (T; older notation c.8073delT).
Protein change: p.Val2692fs; shifts the reading frame from valine 2692.
Molecular consequence: frameshift variant.
Genome position (GRCh38, 1-based): chr6:129,492,075, T deleted. VCF-style (leftmost placement, unchanged base first): chr6-129492074-CT-C. GRCh37 (hg19) VCF-style: chr6-129813219-CT-C.
Other names: c.8061del, p.Val2688fs (NM_001079823.2); short protein forms V2688fs, V2692fs.
Identifiers: ClinVar variation 2731959 (VCV002731959.3), dbSNP rs2533504630, ClinGen allele CA2697553713.